The following is an entry in ClinVar:

NM_130839.5(UBE3A):c.2608G>A (p.Gly870Ser)

Genes: SNHG14 (small nucleolar RNA host gene 14; plus strand), UBE3A (ubiquitin protein ligase E3A; minus strand). Cytogenetic location: 15q11.2.
Variant type: single nucleotide variant.
Coding change: c.2608G>A on transcript NM_130839.5 (MANE Select); coding-DNA position 2608, G replaced by A.
Protein change: p.Gly870Ser; replaces glycine 870 with serine.
Molecular consequence: missense variant. On other transcripts: non-coding transcript variant (1).
Genome position (GRCh38, 1-based): chr15:25,339,148, C>T on the plus strand (G>A on the coding strand, the complement: UBE3A is on the minus strand). VCF-style: chr15-25339148-C-T. GRCh37 (hg19) VCF-style: chr15-25584295-C-T.
Other names: c.2617G>A, p.Gly873Ser (NM_000462.5); c.2608G>A, p.Gly870Ser (NM_001354505.1, NM_001354538.2); c.2548G>A, p.Gly850Ser (NM_001354506.2, NM_001354507.2, NM_001354508.2 and 14 more transcripts); c.2452G>A, p.Gly818Ser (NM_001354545.2); c.2431G>A, p.Gly811Ser (NM_001354546.2); c.2392G>A, p.Gly798Ser (NM_001354547.2, NM_001354548.2); c.2383G>A, p.Gly795Ser (NM_001354549.2); c.1357G>A, p.Gly453Ser (NM_001354550.2); and 1 more; short protein forms G433S, G453S, G795S, G798S, G811S, G818S, G850S, G870S.
Identifiers: ClinVar variation 4887860 (VCV004887860.2).

ClinVar aggregate classification (germline): Likely pathogenic (1 of 4 stars; one submission).

Submission:

GeneDx
Classification: Likely pathogenic. Last evaluated: 2026-10-15. Review status: criteria provided, single submitter. Criteria: GeneDx Variant Classification Process June 2021. Collection method: clinical testing. Allele origin: germline.
Comment: In silico analysis supports that this missense variant has a deleterious effect on protein structure/function; Not observed at significant frequency in large population cohorts (gnomAD); This variant is associated with the following publications: (PMID: 24796722, 27620904)